The following is an entry in ClinVar:

NM_001004334.4(GPR179):c.1784+3G>C

Gene: GPR179 (G protein-coupled receptor 179; minus strand). Cytogenetic location: 17q12.
Variant type: single nucleotide variant.
Coding change: c.1784+3G>C on transcript NM_001004334.4 (MANE Select); 3 bases into the intron after coding-DNA position 1784, G replaced by C.
Molecular consequence: intron variant.
Genome position (GRCh38, 1-based): chr17:38,334,701, C>G on the plus strand (G>C on the coding strand, the complement: GPR179 is on the minus strand). VCF-style: chr17-38334701-C-G. GRCh37 (hg19) VCF-style: chr17-36490584-C-G.
Identifiers: ClinVar variation 1961199 (VCV001961199.5), dbSNP rs2512166843, ClinGen allele CA2580093691.

ClinVar aggregate classification (germline): Uncertain significance (1 of 4 stars; one submission).

Allele frequency attached by ClinVar (database versions not stated): gnomAD exomes below 0.00001.
gnomAD v4.1: 1 of 1,613,652 alleles (0.000062%); highest among the groups gnomAD compares: Non-Finnish European, 0.000085%; no homozygotes.

Submission:

Labcorp Genetics (formerly Invitae), Labcorp
Classification: Uncertain significance. Last evaluated: 2022-11-03. Review status: criteria provided, single submitter. Criteria: Invitae Variant Classification Sherloc (09022015). Collection method: clinical testing. Allele origin: germline.
Comment: In summary, the available evidence is currently insufficient to determine the role of this variant in disease. Therefore, it has been classified as a Variant of Uncertain Significance. Variants that disrupt the consensus splice site are a relatively common cause of aberrant splicing (PMID: 17576681, 9536098). Algorithms developed to predict the effect of sequence changes on RNA splicing suggest that this variant may create or strengthen a splice site. This variant has not been reported in the literature in individuals affected with GPR179-related conditions. This variant is not present in population databases (gnomAD no frequency). This sequence change falls in intron 8 of the GPR179 gene. It does not directly change the encoded amino acid sequence of the GPR179 protein. It affects a nucleotide within the consensus splice site.

Literature cited by the submitters: PubMed 17576681; PubMed 9536098.